The following is an entry in ClinVar:

ClinVar aggregate classification (germline): Pathogenic (1 of 4 stars; one submission).

Conditions:
Ehlers-Danlos syndrome, dermatosparaxis type. Also called: Dermatosparaxis; Ehlers-Danlos syndrome, type VII, autosomal recessive; EDS VIIC. Identifiers: Orphanet 1901, MedGen C2700425, MONDO:0009161, OMIM 225410.

Submission:

Labcorp Genetics (formerly Invitae), Labcorp
Classification: Pathogenic for Ehlers-Danlos syndrome, dermatosparaxis type. Last evaluated: 2024-05-01. Review status: criteria provided, single submitter. Criteria: Invitae Variant Classification Sherloc (09022015). Collection method: clinical testing. Allele origin: germline.
Comment: This sequence change creates a premature translational stop signal (p.Asn36Thrfs*129) in the ADAMTS2 gene. It is expected to result in an absent or disrupted protein product. Loss-of-function variants in ADAMTS2 are known to be pathogenic (PMID: 10417273). This variant is not present in population databases (gnomAD no frequency). This variant has not been reported in the literature in individuals affected with ADAMTS2-related conditions. For these reasons, this variant has been classified as Pathogenic.

Literature cited by the submitters: PubMed 10417273.

NM_014244.5(ADAMTS2):c.107del (p.Asn36fs)

Gene: ADAMTS2 (ADAM metallopeptidase with thrombospondin type 1 motif 2; minus strand). Cytogenetic location: 5q35.3.
Variant type: Deletion.
Coding change: c.107del on transcript NM_014244.5 (MANE Select); coding-DNA position 107, one base deleted (A; older notation c.107delA).
Protein change: p.Asn36fs; shifts the reading frame from asparagine 36.
Molecular consequence: frameshift variant.
Genome position (GRCh38, 1-based): chr5:179,345,222, T deleted on the plus strand (A on the coding strand, the reverse complement: ADAMTS2 is on the minus strand); the first of 2 consecutive T bases (chr5:179,345,222-179,345,223); deleting either gives the same sequence. VCF-style (leftmost placement, unchanged base first): chr5-179345221-GT-G. GRCh37 (hg19) VCF-style: chr5-178772222-GT-G.
Other names: c.107del, p.Asn36fs (NM_021599.4); short protein forms N36fs.
Identifiers: ClinVar variation 2747336 (VCV002747336.3), dbSNP rs2532193169, ClinGen allele CA2697546612.